The following is an entry in ClinVar:

ClinVar aggregate classification (germline): Uncertain significance (1 of 4 stars; one submission).

Conditions:
VPS13B-related disorder. Also called: VPS13B-related condition.

gnomAD v4.1: 10 of 1,613,448 alleles (0.00062%); highest among the groups gnomAD compares: Non-Finnish European, 0.00076%; no homozygotes.

Submission:

PreventionGenetics, part of Exact Sciences
Classification: Uncertain significance for VPS13B-related condition. Last evaluated: 2025-05-23. Review status: criteria provided, single submitter. Criteria: ACMG Guidelines, 2015. Collection method: clinical testing. Allele origin: germline.
Comment: The VPS13B c.2507T>A variant is predicted to result in the amino acid substitution p.Leu836Gln. To our knowledge, this variant has not been reported in the literature. This variant is reported in 0.0035% of alleles in individuals of European (Non-Finnish) descent in gnomAD. At this time, the clinical significance of this variant is uncertain due to the absence of conclusive functional and genetic evidence.

NM_152564.5(VPS13B):c.2507T>A (p.Leu836Gln)

Gene: VPS13B (vacuolar protein sorting 13 homolog B; plus strand). Cytogenetic location: 8q22.2.
Variant type: single nucleotide variant.
Coding change: c.2507T>A on transcript NM_152564.5 (MANE Select); coding-DNA position 2507, T replaced by A.
Protein change: p.Leu836Gln; replaces leucine 836 with glutamine.
Molecular consequence: missense variant.
Genome position (GRCh38, 1-based): chr8:99,193,049, T>A. VCF-style: chr8-99193049-T-A. GRCh37 (hg19) VCF-style: chr8-100205277-T-A.
Other names: c.2507T>A, p.Leu836Gln (NM_015243.3, NM_017890.5); short protein forms L836Q.
Identifiers: ClinVar variation 4985449 (VCV004985449.1).